The following is an entry in ClinVar:

ClinVar aggregate classification (germline): Likely benign. Review status: criteria provided, multiple submitters, no conflicts (2 of 4 stars). 3 submissions from 3 submitters: Likely benign (3). Last evaluated 2026-01-19.

Conditions:
Renal carnitine transport defect (CDSP). Also called: CARNITINE DEFICIENCY, SYSTEMIC, DUE TO DEFECT IN RENAL REABSORPTION OF CARNITINE; CARNITINE TRANSPORTER, PLASMA-MEMBRANE, DEFICIENCY OF; CARNITINE UPTAKE DEFECT; Systemic primary carnitine deficiency; Primary carnitine deficiency; Carnitine transporter deficiency. Identifiers: Orphanet 158, MedGen C0342788, MONDO:0008919, OMIM 212140.

Allele frequency attached by ClinVar (database versions not stated): gnomAD 0.00002; TOPMed 0.00001.
gnomAD v4.1: 11 of 1,614,024 alleles (0.00068%); highest among the groups gnomAD compares: African/African-American, 0.0027%; no homozygotes.

Submissions (3):

Labcorp Genetics (formerly Invitae), Labcorp
Classification: Likely benign for Renal carnitine transport defect. Last evaluated: 2026-01-19. Review status: criteria provided, single submitter. Criteria: Invitae Variant Classification Sherloc (09022015). Collection method: clinical testing. Allele origin: germline.

Genome-Nilou Lab
Classification: Likely benign for Renal carnitine transport defect. Last evaluated: 2021-07-15. Review status: criteria provided, single submitter. Criteria: ACMG Guidelines, 2015. Collection method: clinical testing. Allele origin: germline. Affected: no.

GeneDx
Classification: Likely benign. Last evaluated: 2017-07-27. Review status: criteria provided, single submitter. Criteria: GeneDx Variant Classification (06012015). Collection method: clinical testing. Allele origin: germline. Affected: yes.
Comment: This variant is considered likely benign or benign based on one or more of the following criteria: it is a conservative change, it occurs at a poorly conserved position in the protein, it is predicted to be benign by multiple in silico algorithms, and/or has population frequency not consistent with disease.

NM_003060.4(SLC22A5):c.1185A>G (p.Gln395=)

Gene: SLC22A5 (solute carrier family 22 member 5; plus strand). Cytogenetic location: 5q31.1.
Variant type: single nucleotide variant.
Coding change: c.1185A>G on transcript NM_003060.4 (MANE Select); coding-DNA position 1185, A replaced by G.
Protein change: p.Gln395=; no amino-acid change (glutamine 395 retained).
Molecular consequence: synonymous variant.
Genome position (GRCh38, 1-based): chr5:132,390,822, A>G. VCF-style: chr5-132390822-A-G. GRCh37 (hg19) VCF-style: chr5-131726514-A-G.
Other names: c.1257A>G, p.Gln419= (NM_001308122.2).
Identifiers: ClinVar variation 510740 (VCV000510740.9), dbSNP rs916795176, ClinGen allele CA127212132.